The following is an entry in ClinVar:

ClinVar aggregate classification (germline): Uncertain significance (1 of 4 stars; one submission).

Conditions:
Hydrocephalus, nonsyndromic, autosomal recessive 1 (HYC1). Also called: Hydrocephalus, nonsyndromic, autosomal recessive; Congenital hydrocephalus 1. Identifiers: Orphanet 2185, MedGen C3887608, MONDO:0009360, OMIM 236600.

Submission:

Foundation for Research in Genetics and Endocrinology, FRIGE's Institute of Human Genetics
Classification: Uncertain significance for Hydrocephalus, nonsyndromic, autosomal recessive 1. Last evaluated: 2020-03-24. Review status: criteria provided, single submitter. Criteria: ACMG Guidelines, 2015. Collection method: clinical testing. Allele origin: germline. Inheritance: Autosomal recessive inheritance. Affected: yes. Observed: 1 heterozygote.
Comment: A heterozygous 5â€™splice site variation in intron 2 of the CCDC88C gene that affects the position 5 nucleotides downstream of donor splice site of exon 2 was detected. The observed variant c.161+5G>A has not been reported in the 1000 genomes and ExAC databases. The in silico prediction of the variant is damaging by MutationTaster2 and the prediction by Human Splicing Finder is most probably affecting splicing by alteration of the WT donor site (Desmet et al. 2009). The reference base is conserved across mammals. In summary, the variant meets our criteria as a variant of uncertain significance.

NM_001080414.4(CCDC88C):c.161+5G>A

Gene: CCDC88C (coiled-coil and HOOK domain protein 88C; minus strand). Cytogenetic location: 14q32.12.
Variant type: single nucleotide variant.
Coding change: c.161+5G>A on transcript NM_001080414.4 (MANE Select); 5 bases into the intron after coding-DNA position 161, G replaced by A.
Molecular consequence: intron variant.
Genome position (GRCh38, 1-based): chr14:91,416,733, C>T on the plus strand (G>A on the coding strand, the complement: CCDC88C is on the minus strand). VCF-style: chr14-91416733-C-T. GRCh37 (hg19) VCF-style: chr14-91883077-C-T.
Identifiers: ClinVar variation 918055 (VCV000918055.2), dbSNP rs1887078001, ClinGen allele CA1139663626.